The following is an entry in ClinVar:

ClinVar aggregate classification (germline): Uncertain significance. Review status: criteria provided, multiple submitters, no conflicts (2 of 4 stars). 2 submissions from 2 submitters: Uncertain significance (2). Last evaluated 2025-01-21.

Conditions:
Inborn genetic diseases. Identifiers: MedGen C0950123, MeSH D030342.

Allele frequency attached by ClinVar (database versions not stated): TOPMed 0.00001.
gnomAD v4.1: 1 of 1,610,838 alleles (0.000062%); highest among the groups gnomAD compares: Non-Finnish European, 0.000085%; no homozygotes.

Submissions (2):

Ambry Genetics
Classification: Uncertain significance for Inborn genetic diseases. Last evaluated: 2025-01-21. Review status: criteria provided, single submitter. Criteria: Ambry Variant Classification Scheme 2023. Collection method: clinical testing. Allele origin: germline.

Labcorp Genetics (formerly Invitae), Labcorp
Classification: Uncertain significance. Last evaluated: 2021-12-18. Review status: criteria provided, single submitter. Criteria: Invitae Variant Classification Sherloc (09022015). Collection method: clinical testing. Allele origin: germline.
Comment: This variant has not been reported in the literature in individuals affected with HPS3-related conditions. This variant is not present in population databases (gnomAD no frequency). This sequence change replaces alanine, which is neutral and non-polar, with proline, which is neutral and non-polar, at codon 482 of the HPS3 protein (p.Ala482Pro). Algorithms developed to predict the effect of missense changes on protein structure and function output the following: SIFT: "Tolerated"; PolyPhen-2: "Possibly Damaging"; Align-GVGD: "Class C0". The proline amino acid residue is found in multiple mammalian species, which suggests that this missense change does not adversely affect protein function. In summary, the available evidence is currently insufficient to determine the role of this variant in disease. Therefore, it has been classified as a Variant of Uncertain Significance.

NM_032383.5(HPS3):c.1444G>C (p.Ala482Pro)

Gene: HPS3 (HPS3 biogenesis of lysosomal organelles complex 2 subunit 1; plus strand). Cytogenetic location: 3q24.
Variant type: single nucleotide variant.
Coding change: c.1444G>C on transcript NM_032383.5 (MANE Select); coding-DNA position 1444, G replaced by C.
Protein change: p.Ala482Pro; replaces alanine 482 with proline.
Molecular consequence: missense variant.
Genome position (GRCh38, 1-based): chr3:149,155,150, G>C. VCF-style: chr3-149155150-G-C. GRCh37 (hg19) VCF-style: chr3-148872937-G-C.
Other names: c.949G>C, p.Ala317Pro (NM_001308258.2); c.1444G>C (NM_032383.3); short protein forms A317P, A482P.
Identifiers: ClinVar variation 2158953 (VCV002158953.5), dbSNP rs1723366326, ClinGen allele CA354919713.